The following is an entry in ClinVar:

ClinVar aggregate classification (germline): Uncertain significance (0 of 4 stars; one submission).

Conditions:
KIF4A-related disorder. Also called: KIF4A-related condition.

gnomAD v4.1: 1 of 1,211,143 alleles (0.000083%); highest among the groups gnomAD compares: African/African-American, 0.0017%; no homozygotes.

Submission:

PreventionGenetics, part of Exact Sciences
Classification: Uncertain significance for KIF4A-related condition. Last evaluated: 2024-09-10. Review status: no assertion criteria provided. Collection method: clinical testing. Allele origin: germline.
Comment: The KIF4A c.2725T>C variant is predicted to result in the amino acid substitution p.Phe909Leu. To our knowledge, this variant has not been reported in the literature or in a large population database, indicating this variant is rare. At this time, the clinical significance of this variant is uncertain due to the absence of conclusive functional and genetic evidence.

NM_012310.5(KIF4A):c.2725T>C (p.Phe909Leu)

Gene: KIF4A (kinesin family member 4A; plus strand). Cytogenetic location: Xq13.1.
Variant type: single nucleotide variant.
Coding change: c.2725T>C on transcript NM_012310.5 (MANE Select); coding-DNA position 2725, T replaced by C.
Protein change: p.Phe909Leu; replaces phenylalanine 909 with leucine.
Molecular consequence: missense variant.
Genome position (GRCh38, 1-based): chrX:70,403,969, T>C. VCF-style: chrX-70403969-T-C. GRCh37 (hg19) VCF-style: chrX-69623819-T-C.
Other names: short protein forms F909L.
Identifiers: ClinVar variation 3357178 (VCV003357178.1).